The following is an entry in ClinVar:

ClinVar aggregate classification (germline): Uncertain significance (1 of 4 stars; one submission).

Conditions:
Hereditary cancer-predisposing syndrome. Also called: Tumor predisposition; Hereditary Cancer Syndrome; Hereditary neoplastic syndrome; Neoplastic Syndromes, Hereditary. Identifiers: Orphanet 140162, MedGen C0027672, MeSH D009386, MONDO:0015356.

Submission:

Ambry Genetics
Classification: Uncertain significance for Hereditary cancer-predisposing syndrome. Last evaluated: 2024-04-29. Review status: criteria provided, single submitter. Criteria: Ambry Variant Classification Scheme 2023. Collection method: clinical testing. Allele origin: germline.
Comment: The p.P628L variant (also known as c.1883C>T), located in coding exon 6 of the MET gene, results from a C to T substitution at nucleotide position 1883. The proline at codon 628 is replaced by leucine, an amino acid with similar properties. This amino acid position is conserved. In addition, the in silico prediction for this alteration is inconclusive. Based on the available evidence, the clinical significance of this variant remains unclear.

NM_000245.4(MET):c.1883C>T (p.Pro628Leu)

Gene: MET (MET proto-oncogene, receptor tyrosine kinase; plus strand). Cytogenetic location: 7q31.2.
Variant type: single nucleotide variant.
Coding change: c.1883C>T on transcript NM_000245.4 (MANE Select); coding-DNA position 1883, C replaced by T.
Protein change: p.Pro628Leu; replaces proline 628 with leucine.
Molecular consequence: missense variant.
Genome position (GRCh38, 1-based): chr7:116,757,457, C>T. VCF-style: chr7-116757457-C-T. GRCh37 (hg19) VCF-style: chr7-116397511-C-T.
Other names: c.1883C>T, p.Pro628Leu (NM_001127500.3, NM_001324401.3); c.593C>T, p.Pro198Leu (NM_001324402.2); short protein forms P628L, P198L.
Identifiers: ClinVar variation 3294348 (VCV003294348.1).